The following is an entry in ClinVar:

NM_001374736.1(DST):c.18249+1G>C

Gene: DST (dystonin; minus strand). Cytogenetic location: 6p12.1.
Variant type: single nucleotide variant.
Coding change: c.18249+1G>C on transcript NM_001374736.1 (MANE Select); the canonical splice donor site of the intron after coding-DNA position 18249, G replaced by C.
Molecular consequence: splice donor variant.
Genome position (GRCh38, 1-based): chr6:56,517,500, C>G on the plus strand (G>C on the coding strand, the complement: DST is on the minus strand). VCF-style: chr6-56517500-C-G. GRCh37 (hg19) VCF-style: chr6-56382298-C-G.
Other names: c.11892+1G>C (NM_001144769.5); c.18249+1G>C (NM_001374722.1); c.18276+1G>C (NM_001374734.1); c.11478+1G>C (NM_001144770.2); c.11031+1G>C (NM_001374730.1); c.11358+1G>C (NM_001386100.1, NM_183380.4); c.17289+1G>C (NM_001374729.1); c.10380+1G>C (NM_015548.5).
Identifiers: ClinVar variation 3757617 (VCV003757617.2).

ClinVar aggregate classification (germline): Likely pathogenic (1 of 4 stars; one submission).

Conditions:
Hereditary sensory and autonomic neuropathy type 6. Also called: HSAN VI; Neuropathy, hereditary sensory and autonomic, type VI. Identifiers: Orphanet 314381, MedGen C3539003, MONDO:0013839, OMIM 614653.
Epidermolysis bullosa simplex 3, localized or generalized intermediate, with BP230 deficiency (EBS3). Also called: Epidermolysis bullosa simplex due to BP230 deficiency; Epidermolysis bullosa simplex, autosomal recessive 2. Identifiers: Orphanet 412181, MedGen C3809470, MONDO:0014180, OMIM 615425.

Submission:

Labcorp Genetics (formerly Invitae), Labcorp
Classification: Likely pathogenic for Epidermolysis bullosa simplex 3, localized or generalized intermediate, with BP230 deficiency; Hereditary sensory and autonomic neuropathy type 6. Last evaluated: 2024-08-11. Review status: criteria provided, single submitter. Criteria: Invitae Variant Classification Sherloc (09022015). Collection method: clinical testing. Allele origin: germline.
Comment: The DST gene has multiple clinically relevant transcripts. This variant occurs in alternate transcript NM_015548.4, and corresponds to NM_001723.5:c.*98017G>C in the primary transcript. This sequence change affects a donor splice site in intron 51 of the DST gene. It is expected to disrupt RNA splicing. Variants that disrupt the donor or acceptor splice site typically lead to a loss of protein function (PMID: 16199547), and loss-of-function variants in DST are known to be pathogenic (PMID: 22522446, 25059916, 30371979). This variant is not present in population databases (gnomAD no frequency). This variant has not been reported in the literature in individuals affected with DST-related conditions. In summary, the currently available evidence indicates that the variant is pathogenic, but additional data are needed to prove that conclusively. Therefore, this variant has been classified as Likely Pathogenic.

Literature cited by the submitters: PubMed 16199547; PubMed 22522446; PubMed 25059916; PubMed 30371979.